The following is an entry in ClinVar:

ClinVar aggregate classification (germline): Likely benign (1 of 4 stars; one submission).

Submission:

CeGaT Center for Human Genetics Tuebingen
Classification: Likely benign. Last evaluated: 2026-08-01. Review status: criteria provided, single submitter. Criteria: CeGaT Center For Human Genetics Tuebingen Variant Classification Criteria Version 2. Collection method: clinical testing. Allele origin: germline. Affected: yes. Observed: 1 variant allele.
Comment: KRT75: PM2:Supporting, BP4, BP7

NM_004693.3(KRT75):c.549C>T (p.Leu183=)

Gene: KRT75 (keratin 75; minus strand). Cytogenetic location: 12q13.13.
Variant type: single nucleotide variant.
Coding change: c.549C>T on transcript NM_004693.3 (MANE Select); coding-DNA position 549, C replaced by T.
Protein change: p.Leu183=; no amino-acid change (leucine 183 retained).
Molecular consequence: synonymous variant.
Genome position (GRCh38, 1-based): chr12:52,433,202, G>A on the plus strand (C>T on the coding strand, the complement: KRT75 is on the minus strand). VCF-style: chr12-52433202-G-A. GRCh37 (hg19) VCF-style: chr12-52826986-G-A.
Identifiers: ClinVar variation 5040741 (VCV005040741.1).
Genomic context (GRCh38, chr12:52,433,202, plus strand): 5'-ATAGGAATCAAAGAGGGGCTCTAGGTTCTGCCTCACAGTCCTGGAGCCCTGCTCCTGCAG[G>A]AGGGCCCACTTGGTCTCCAGGACCTTGTTCTGCTGCTCCAAGAACCTCACCTGGAGGGAA-3'
Protein context (NP_004684.2, residues 173-193): QNKVLETKWA[Leu183=]LQEQGSRTVR